The following is an entry in ClinVar:

ClinVar aggregate classification (germline): Uncertain significance (1 of 4 stars; one submission).

Conditions:
Familial adenomatous polyposis 1 (FAP1). Also called: FAMILIAL ADENOMATOUS POLYPOSIS 1, ATTENUATED; POLYPOSIS, ADENOMATOUS INTESTINAL. Identifiers: MedGen C2713442, MONDO:0021056, OMIM 175100. Disease mechanism: loss of function.

Allele frequency attached by ClinVar (database versions not stated): TOPMed below 0.00001.
gnomAD v4.1: 6 of 1,099,422 alleles (0.00055%); highest among the groups gnomAD compares: South Asian, 0.0014%; no homozygotes.

Submission:

Labcorp Genetics (formerly Invitae), Labcorp
Classification: Uncertain significance for Familial adenomatous polyposis 1. Last evaluated: 2023-11-02. Review status: criteria provided, single submitter. Criteria: Invitae Variant Classification Sherloc (09022015). Collection method: clinical testing. Allele origin: germline.
Comment: This variant occurs in a non-coding region of the APC gene. It does not change the encoded amino acid sequence of the APC protein. This variant is not present in population databases (gnomAD no frequency). This variant has not been reported in the literature in individuals affected with APC-related conditions. ClinVar contains an entry for this variant (Variation ID: 469823). Experimental studies and prediction algorithms are not available or were not evaluated, and the functional significance of this variant is currently unknown. In summary, the available evidence is currently insufficient to determine the role of this variant in disease. Therefore, it has been classified as a Variant of Uncertain Significance.

NM_001127511.3(APC):c.-120C>T

Gene: APC (APC regulator of Wnt signaling pathway; plus strand). Cytogenetic location: 5q22.2.
Variant type: single nucleotide variant.
Coding change: c.-120C>T on transcript NM_001127511.3; 120 bases upstream of the start codon, C replaced by T.
Molecular consequence: 5 prime UTR variant. On other transcripts: non-coding transcript variant (2).
Genome position (GRCh38, 1-based): chr5:112,707,598, C>T. VCF-style: chr5-112707598-C-T. GRCh37 (hg19) VCF-style: chr5-112043295-C-T.
Other names: c.-303C>T (NM_001354895.2, NM_001407447.1, NM_001407452.1 and 3 more transcripts); c.-120C>T (NM_001354897.2, NM_001354902.2, NM_001407446.1); c.-70C>T (NM_001407448.1, NM_001407450.1, NM_001407457.1 and 1 more transcripts); c.-94C>T (NM_001407453.1); c.-1338C>T (NM_001407470.1, NM_001407472.1).
Identifiers: ClinVar variation 469823 (VCV000469823.8), dbSNP rs904073379, ClinGen allele CA124925018.